The following is an entry in ClinVar:

NM_001100913.3(PACS2):c.2595G>C (p.Arg865=)

Gene: PACS2 (phosphofurin acidic cluster sorting protein 2; plus strand). Cytogenetic location: 14q32.33.
Variant type: single nucleotide variant.
Coding change: c.2595G>C on transcript NM_001100913.3 (MANE Select); coding-DNA position 2595, G replaced by C.
Protein change: p.Arg865=; no amino-acid change (arginine 865 retained).
Molecular consequence: synonymous variant.
Genome position (GRCh38, 1-based): chr14:105,393,334, G>C. VCF-style: chr14-105393334-G-C. GRCh37 (hg19) VCF-style: chr14-105859671-G-C.
Other names: c.2325G>C, p.Arg775= (NM_001243127.3); c.2550G>C, p.Arg850= (NM_015197.4).
Identifiers: ClinVar variation 2057845 (VCV002057845.4), dbSNP rs2544905695, ClinGen allele CA488206444.
Genomic context (GRCh38, chr14:105,393,334, plus strand): 5'-GTGCATTGAGGGCATCAGCCGGCTCATCTGCACTGCCAGGCAGCAGCAGAACATGCTGCG[G>C]GGTGAGCACCACCGGCCCCGGGGTCTGTAGAGTGGGACGTAGGTGAGAGCACAGCAAGGC-3'
Protein context (NP_001094383.2, residues 855-875): CTARQQQNML[Arg865=]VLIDGVECSD

ClinVar aggregate classification (germline): Uncertain significance (1 of 4 stars; one submission).

Submission:

Labcorp Genetics (formerly Invitae), Labcorp
Classification: Uncertain significance. Last evaluated: 2022-04-28. Review status: criteria provided, single submitter. Criteria: Invitae Variant Classification Sherloc (09022015). Collection method: clinical testing. Allele origin: germline.
Comment: In summary, the available evidence is currently insufficient to determine the role of this variant in disease. Therefore, it has been classified as a Variant of Uncertain Significance. Algorithms developed to predict the effect of sequence changes on RNA splicing suggest that this variant is not likely to affect RNA splicing. This variant has not been reported in the literature in individuals affected with PACS2-related conditions. This variant is not present in population databases (gnomAD no frequency). This sequence change affects codon 865 of the PACS2 mRNA. It is a 'silent' change, meaning that it does not change the encoded amino acid sequence of the PACS2 protein. It affects a nucleotide within the consensus splice site.